The following is an entry in ClinVar:

ClinVar aggregate classification (germline): Uncertain significance (1 of 4 stars; one submission).

Submission:

Labcorp Genetics (formerly Invitae), Labcorp
Classification: Uncertain significance. Last evaluated: 2025-07-03. Review status: criteria provided, single submitter. Criteria: Invitae Variant Classification Sherloc (09022015). Collection method: clinical testing. Allele origin: germline.
Comment: This sequence change replaces arginine, which is basic and polar, with serine, which is neutral and polar, at codon 800 of the AP3D1 protein (p.Arg800Ser). This variant is not present in population databases (gnomAD no frequency). This variant has not been reported in the literature in individuals affected with AP3D1-related conditions. An algorithm developed to predict the effect of missense changes on protein structure and function (PolyPhen-2) suggests that this variant is likely to be tolerated. In summary, the available evidence is currently insufficient to determine the role of this variant in disease. Therefore, it has been classified as a Variant of Uncertain Significance.

NM_001261826.3(AP3D1):c.2400G>C (p.Arg800Ser)

Gene: AP3D1 (adaptor related protein complex 3 subunit delta 1; minus strand). Cytogenetic location: 19p13.3.
Variant type: single nucleotide variant.
Coding change: c.2400G>C on transcript NM_001261826.3 (MANE Select); coding-DNA position 2400, G replaced by C.
Protein change: p.Arg800Ser; replaces arginine 800 with serine.
Molecular consequence: missense variant.
Genome position (GRCh38, 1-based): chr19:2,114,771, C>G on the plus strand (G>C on the coding strand, the complement: AP3D1 is on the minus strand). VCF-style: chr19-2114771-C-G. GRCh37 (hg19) VCF-style: chr19-2114770-C-G.
Other names: c.2400G>C, p.Arg800Ser (NM_001374799.1, NM_003938.8); short protein forms R800S.
Identifiers: ClinVar variation 4781816 (VCV004781816.1).